The following is an entry in ClinVar:

NC_000010.10:g.(?_127483429)_(127483567_?)del

Gene: UROS (uroporphyrinogen III synthase; minus strand). Cytogenetic location: 10q26.13.
Variant type: Deletion.
Identifiers: ClinVar variation 3244935 (VCV003244935.1).

ClinVar aggregate classification (germline): Pathogenic (1 of 4 stars; one submission).

Submission:

Labcorp Genetics (formerly Invitae), Labcorp
Classification: Pathogenic. Last evaluated: 2023-04-17. Review status: criteria provided, single submitter. Criteria: Invitae Variant Classification Sherloc (09022015). Collection method: clinical testing. Allele origin: unknown.
Comment: For these reasons, this variant has been classified as Pathogenic. This variant disrupts a region of the UROS protein in which other variant(s) (p.Ser212Pro) have been determined to be pathogenic (PMID: 8655129, 19099412, 22816431). This suggests that this is a clinically significant region of the protein, and that variants that disrupt it are likely to be disease-causing. This variant has not been reported in the literature in individuals affected with UROS-related conditions. This variant is a gross deletion of the genomic region encompassing exon(s) 9 of the UROS gene. This variant would be expected to be in-frame, preserving the integrity of the reading frame.

Literature cited by the submitters: PubMed 8655129; PubMed 19099412; PubMed 22816431.